The following is an entry in ClinVar:

NM_004064.5(CDKN1B):c.208C>G (p.Leu70Val)

Gene: CDKN1B (cyclin dependent kinase inhibitor 1B; plus strand). Cytogenetic location: 12p13.1.
Variant type: single nucleotide variant.
Coding change: c.208C>G on transcript NM_004064.5 (MANE Select); coding-DNA position 208, C replaced by G.
Protein change: p.Leu70Val; replaces leucine 70 with valine.
Molecular consequence: missense variant.
Genome position (GRCh38, 1-based): chr12:12,718,047, C>G. VCF-style: chr12-12718047-C-G. GRCh37 (hg19) VCF-style: chr12-12870981-C-G.
Other names: short protein forms L70V.
Identifiers: ClinVar variation 1785701 (VCV001785701.7), dbSNP rs1565419399, ClinGen allele CA383969511.

ClinVar aggregate classification (germline): Uncertain significance. Review status: criteria provided, multiple submitters, no conflicts (2 of 4 stars). 2 submissions from 2 submitters: Uncertain significance (2). Last evaluated 2022-05-18.

Conditions:
Multiple endocrine neoplasia type 4. Also called: MULTIPLE ENDOCRINE NEOPLASIA, TYPE IV. Identifiers: Orphanet 276152, MedGen C1970712, MONDO:0012552, OMIM 610755.
Hereditary cancer-predisposing syndrome. Also called: Tumor predisposition; Neoplastic Syndromes, Hereditary; Hereditary Cancer Syndrome; Hereditary neoplastic syndrome. Identifiers: Orphanet 140162, MedGen C0027672, MeSH D009386, MONDO:0015356.

Submissions (2):

Ambry Genetics
Classification: Uncertain significance for Hereditary cancer-predisposing syndrome. Last evaluated: 2022-05-18. Review status: criteria provided, single submitter. Criteria: Ambry Variant Classification Scheme 2023. Collection method: clinical testing. Allele origin: germline.
Comment: The p.L70V variant (also known as c.208C>G), located in coding exon 1 of the CDKN1B gene, results from a C to G substitution at nucleotide position 208. The leucine at codon 70 is replaced by valine, an amino acid with highly similar properties. This amino acid position is conserved. In addition, the in silico prediction for this alteration is inconclusive. Since supporting evidence is limited at this time, the clinical significance of this alteration remains unclear.

Labcorp Genetics (formerly Invitae), Labcorp
Classification: Uncertain significance for Multiple endocrine neoplasia type 4. Last evaluated: 2022-03-25. Review status: criteria provided, single submitter. Criteria: Invitae Variant Classification Sherloc (09022015). Collection method: clinical testing. Allele origin: germline.
Comment: In summary, the available evidence is currently insufficient to determine the role of this variant in disease. Therefore, it has been classified as a Variant of Uncertain Significance. Algorithms developed to predict the effect of missense changes on protein structure and function (SIFT, PolyPhen-2, Align-GVGD) all suggest that this variant is likely to be disruptive. This variant has not been reported in the literature in individuals affected with CDKN1B-related conditions. This variant is not present in population databases (gnomAD no frequency). This sequence change replaces leucine, which is neutral and non-polar, with valine, which is neutral and non-polar, at codon 70 of the CDKN1B protein (p.Leu70Val).